The following is an entry in ClinVar:

ClinVar aggregate classification (germline): Uncertain significance. Review status: criteria provided, multiple submitters, no conflicts (2 of 4 stars). 3 submissions from 3 submitters: Uncertain significance (3). Last evaluated 2025-09-16.

Conditions:
Hereditary cancer-predisposing syndrome. Also called: Hereditary neoplastic syndrome; Tumor predisposition; Hereditary Cancer Syndrome; Neoplastic Syndromes, Hereditary. Identifiers: Orphanet 140162, MedGen C0027672, MeSH D009386, MONDO:0015356.

Allele frequency attached by ClinVar (database versions not stated): ExAC 0.00002; gnomAD exomes below 0.00001.

Submissions (3):

Ambry Genetics
Classification: Uncertain significance for Hereditary cancer-predisposing syndrome. Last evaluated: 2025-09-16. Review status: criteria provided, single submitter. Criteria: Ambry Variant Classification Scheme 2023. Collection method: clinical testing. Allele origin: germline.
Comment: The p.M1393I variant (also known as c.4179G>T), located in coding exon 33 of the POLE gene, results from a G to T substitution at nucleotide position 4179. The methionine at codon 1393 is replaced by isoleucine, an amino acid with highly similar properties. This amino acid position is conserved. In addition, this alteration is predicted to be tolerated by in silico analysis. Since supporting evidence is limited at this time, the clinical significance of this alteration remains unclear.

Labcorp Genetics (formerly Invitae), Labcorp
Classification: Uncertain significance. Last evaluated: 2025-02-19. Review status: criteria provided, single submitter. Criteria: Invitae Variant Classification Sherloc (09022015). Collection method: clinical testing. Allele origin: germline.
Comment: This sequence change replaces methionine, which is neutral and non-polar, with isoleucine, which is neutral and non-polar, at codon 1393 of the POLE protein (p.Met1393Ile). This variant is present in population databases (rs778153462, gnomAD 0.002%). This variant has not been reported in the literature in individuals affected with POLE-related conditions. ClinVar contains an entry for this variant (Variation ID: 405753). Invitae Evidence Modeling of protein sequence and biophysical properties (such as structural, functional, and spatial information, amino acid conservation, physicochemical variation, residue mobility, and thermodynamic stability) indicates that this missense variant is not expected to disrupt POLE protein function with a negative predictive value of 80%. In summary, the available evidence is currently insufficient to determine the role of this variant in disease. Therefore, it has been classified as a Variant of Uncertain Significance.

GeneDx
Classification: Uncertain significance. Last evaluated: 2024-09-27. Review status: criteria provided, single submitter. Criteria: GeneDx Variant Classification Process June 2021. Collection method: clinical testing. Allele origin: germline.
Comment: Not observed at significant frequency in large population cohorts (gnomAD); In silico analysis indicates that this missense variant does not alter protein structure/function; Has not been previously published as pathogenic or benign to our knowledge

NM_006231.4(POLE):c.4179G>T (p.Met1393Ile)

Gene: POLE (DNA polymerase epsilon, catalytic subunit; minus strand). Cytogenetic location: 12q24.33.
Variant type: single nucleotide variant.
Coding change: c.4179G>T on transcript NM_006231.4 (MANE Select); coding-DNA position 4179, G replaced by T.
Protein change: p.Met1393Ile; replaces methionine 1393 with isoleucine.
Molecular consequence: missense variant.
Genome position (GRCh38, 1-based): chr12:132,643,948, C>A on the plus strand (G>T on the coding strand, the complement: POLE is on the minus strand). VCF-style: chr12-132643948-C-A. GRCh37 (hg19) VCF-style: chr12-133220534-C-A.
Other names: short protein forms M1393I.
Identifiers: ClinVar variation 405753 (VCV000405753.15), dbSNP rs778153462, ClinGen allele CA6892953.